The following is an entry in ClinVar:

ClinVar aggregate classification (germline): Uncertain significance (1 of 4 stars; one submission).

gnomAD v4.1: 2 of 1,600,788 alleles (0.00012%); highest among the groups gnomAD compares: Non-Finnish European, 0.00017%; no homozygotes.

Submission:

Labcorp Genetics (formerly Invitae), Labcorp
Classification: Uncertain significance. Last evaluated: 2026-01-14. Review status: criteria provided, single submitter. Criteria: Invitae Variant Classification Sherloc (09022015). Collection method: clinical testing. Allele origin: germline.
Comment: This sequence change replaces glycine, which is neutral and non-polar, with cysteine, which is neutral and slightly polar, at codon 2867 of the CELSR2 protein (p.Gly2867Cys). This variant is not present in population databases (gnomAD no frequency). This variant has not been reported in the literature in individuals affected with CELSR2-related conditions. An algorithm developed to predict the effect of missense changes on protein structure and function outputs the following: PolyPhen-2: "Benign". The cysteine amino acid residue is found in multiple mammalian species, which suggests that this missense change does not adversely affect protein function. In summary, the available evidence is currently insufficient to determine the role of this variant in disease. Therefore, it has been classified as a Variant of Uncertain Significance.

NM_001408.3(CELSR2):c.8599G>T (p.Gly2867Cys)

Gene: CELSR2 (cadherin EGF LAG seven-pass G-type receptor 2; plus strand). Cytogenetic location: 1p13.3.
Variant type: single nucleotide variant.
Coding change: c.8599G>T on transcript NM_001408.3 (MANE Select); coding-DNA position 8599, G replaced by T.
Protein change: p.Gly2867Cys; replaces glycine 2867 with cysteine.
Molecular consequence: missense variant.
Genome position (GRCh38, 1-based): chr1:109,273,525, G>T. VCF-style: chr1-109273525-G-T. GRCh37 (hg19) VCF-style: chr1-109816147-G-T.
Other names: short protein forms G2867C.
Identifiers: ClinVar variation 4732911 (VCV004732911.1).